The following is an entry in ClinVar:

ClinVar aggregate classification (germline): Conflicting classifications of pathogenicity. Review status: criteria provided, conflicting classifications (1 of 4 stars). 6 submissions from 6 submitters: Uncertain significance (1); Likely benign (5). Last evaluated 2025-10-31.

Conditions:
Hereditary cancer-predisposing syndrome. Also called: Neoplastic Syndromes, Hereditary; Hereditary Cancer Syndrome; Hereditary neoplastic syndrome; Tumor predisposition. Identifiers: Orphanet 140162, MedGen C0027672, MeSH D009386, MONDO:0015356.
Familial thoracic aortic aneurysm and aortic dissection (TAAD). Also called: Thoracic aortic aneurysms and dissections. Identifiers: Orphanet 91387, MedGen C4707243, MONDO:0019625.
Myhre syndrome (MYHRS). Also called: LARYNGOTRACHEAL STENOSIS, ARTHROPATHY, PROGNATHISM, AND SHORT STATURE; LAPS SYNDROME. Identifiers: Orphanet 2588, MedGen C0796081, MONDO:0007688, OMIM 139210.
Juvenile polyposis/hereditary hemorrhagic telangiectasia syndrome (JPHT). Also called: POLYPOSIS, GENERALIZED JUVENILE, WITH PULMONARY ARTERIOVENOUS MALFORMATION; TELANGIECTASIA, HEREDITARY HEMORRHAGIC, WITH JUVENILE POLYPOSIS COLI; Juvenile Polyposis Syndrome / Hereditary Hemorrhagic Telangiectasia (JPS/HHT); JP/HHT SYNDROME; JUVENILE POLYPOSIS WITH HEREDITARY HEMORRHAGIC TELANGIECTASIA. Identifiers: Orphanet 2929, MedGen C1832942, MONDO:0008278, OMIM 175050.
Familial pancreatic carcinoma. Identifiers: Orphanet 1333, MedGen C2931038, MONDO:0015278, OMIM 260350.
Juvenile polyposis syndrome (JPS). Identifiers: Orphanet 2929, MedGen C0345893, MONDO:0017380, OMIM 174900.

Allele frequency attached by ClinVar (database versions not stated): gnomAD exomes below 0.00001; ExAC 0.00001; TOPMed 0.00001.
gnomAD v4.1: 5 of 1,609,634 alleles (0.00031%); highest among the groups gnomAD compares: South Asian, 0.0044%; no homozygotes.

Submissions (6):

Labcorp Genetics (formerly Invitae), Labcorp
Classification: Likely benign for Juvenile polyposis syndrome. Last evaluated: 2025-10-31. Review status: criteria provided, single submitter. Criteria: Invitae Variant Classification Sherloc (09022015). Collection method: clinical testing. Allele origin: germline.

Department of Pathology and Laboratory Medicine, Sinai Health System
Classification: Likely benign for Myhre syndrome; Juvenile polyposis syndrome; Juvenile polyposis/hereditary hemorrhagic telangiectasia syndrome; Familial pancreatic carcinoma. Last evaluated: 2024-09-12. Review status: criteria provided, single submitter. Criteria: ACMG Guidelines, 2015. Collection method: clinical testing. Allele origin: germline.

All of Us Research Program, National Institutes of Health
Classification: Likely benign for Juvenile polyposis/hereditary hemorrhagic telangiectasia syndrome. Last evaluated: 2023-08-15. Review status: criteria provided, single submitter. Criteria: ACMG Guidelines, 2015. Collection method: clinical testing. Allele origin: germline. Inheritance: Autosomal dominant inheritance. Observed: 2 variant alleles, 2 heterozygotes.
Comment: This study involves interpretation of variants in research participants for the purpose of population health screening. Participant phenotype was not available at the time of variant classification. Additional details can be found in publication PMID: 35346344, PMCID: PMC8962531

Color Diagnostics, LLC DBA Color Health
Classification: Likely benign for Hereditary cancer-predisposing syndrome. Last evaluated: 2021-01-02. Review status: criteria provided, single submitter. Criteria: ACMG Guidelines, 2015. Collection method: clinical testing. Allele origin: germline.

Ambry Genetics
Classification: Likely benign for Hereditary cancer-predisposing syndrome; Familial thoracic aortic aneurysm and aortic dissection. Last evaluated: 2018-09-29. Review status: criteria provided, single submitter. Criteria: Ambry Variant Classification Scheme 2023. Collection method: clinical testing. Allele origin: germline.

GeneDx
Classification: Uncertain significance. Last evaluated: 2016-06-30. Review status: criteria provided, single submitter. Criteria: GeneDx Variant Classification (06012015). Collection method: clinical testing. Allele origin: germline. Affected: yes.
Comment: This variant is denoted SMAD4 c.954T>C at the DNA level. This variant is silent at the coding level, preserving a Proline at codon 318. It is not predicted to cause abnormal splicing. This variant has not, to our knowledge, been published in the literature as being pathogenic or benign. SMAD4 c.954T>C was not observed in approximately 6,500 individuals of European and African American ancestry in the NHLBI Exome Sequencing Project, indicating it is not a common benign variant in these populations. The nucleotide which is altered, a thymine (T) at base 954, is conserved in mammals. Based on currently available information, it is unclear whether SMAD4 c.954T>C is a pathogenic or benign variant. We consider it to be a variant of uncertain significance.

NM_005359.6(SMAD4):c.954T>C (p.Pro318=)

Gene: SMAD4 (SMAD family member 4; plus strand). Cytogenetic location: 18q21.2.
Variant type: single nucleotide variant.
Coding change: c.954T>C on transcript NM_005359.6 (MANE Select); coding-DNA position 954, T replaced by C.
Protein change: p.Pro318=; no amino-acid change (proline 318 retained).
Molecular consequence: synonymous variant.
Genome position (GRCh38, 1-based): chr18:51,059,915, T>C. VCF-style: chr18-51059915-T-C. GRCh37 (hg19) VCF-style: chr18-48586285-T-C.
Identifiers: ClinVar variation 387518 (VCV000387518.20), dbSNP rs773615487, ClinGen allele CA8965958.